The following is an entry in ClinVar:

ClinVar aggregate classification (germline): Uncertain significance (1 of 4 stars; one submission).

Conditions:
COL18A1-related disorder. Also called: COL18A1-related disorders; COL18A1-related condition.

Submission:

PreventionGenetics, part of Exact Sciences
Classification: Uncertain significance for COL18A1-related condition. Last evaluated: 2025-08-12. Review status: criteria provided, single submitter. Criteria: ACMG Guidelines, 2015. Collection method: clinical testing. Allele origin: germline.
Comment: The COL18A1 c.544A>G variant is predicted to result in the amino acid substitution p.Thr182Ala. To our knowledge, this variant has not been reported in the literature or in a large population database (gnomAD), indicating this variant is rare. At this time, the clinical significance of this variant is uncertain due to the absence of conclusive functional and genetic evidence.

NM_001379500.1(COL18A1):c.107-12168A>G

Gene: COL18A1 (collagen type XVIII alpha 1 chain; plus strand). Cytogenetic location: 21q22.3.
Variant type: single nucleotide variant.
Coding change: c.107-12168A>G on transcript NM_001379500.1 (MANE Select); 12168 bases into the intron before coding-DNA position 107, A replaced by G.
Molecular consequence: intron variant. On other transcripts: missense variant (2).
Genome position (GRCh38, 1-based): chr21:45,456,074, A>G. VCF-style: chr21-45456074-A-G. GRCh37 (hg19) VCF-style: chr21-46875988-A-G.
Other names: c.544A>G, p.Thr182Ala (NM_030582.4, NM_130444.3); short protein forms T182A.
Identifiers: ClinVar variation 5002141 (VCV005002141.1).